The following is an entry in ClinVar:

NM_183357.3(ADCY5):c.2073G>T (p.Lys691Asn)

Gene: ADCY5 (adenylate cyclase 5; minus strand). Cytogenetic location: 3q21.1.
Variant type: single nucleotide variant.
Coding change: c.2073G>T on transcript NM_183357.3 (MANE Select); coding-DNA position 2073, G replaced by T.
Protein change: p.Lys691Asn; replaces lysine 691 with asparagine.
Molecular consequence: missense variant.
Genome position (GRCh38, 1-based): chr3:123,325,337, C>A on the plus strand (G>T on the coding strand, the complement: ADCY5 is on the minus strand). VCF-style: chr3-123325337-C-A. GRCh37 (hg19) VCF-style: chr3-123044184-C-A.
Other names: c.1023G>T, p.Lys341Asn (NM_001199642.1); c.2073G>T, p.Lys691Asn (NM_001378259.1); short protein forms K691N, K341N.
Identifiers: ClinVar variation 427209 (VCV000427209.1), dbSNP rs1085308027, ClinGen allele CA354218310.
Genomic context (GRCh38, chr3:123,325,337, plus strand): 5'-AGCCTTGGAGAGTGTTGCCCACAGGCTGCCCCACCAGCCACTCACCATCCGCTTCATCTC[C>A]TTGGACACCTGGTTGCCACCCAGGTGGTTGTAGAAGGGGCGCTCAGCCCCCCAGTGTGGT-3'
Protein context (NP_899200.1, residues 681-701): YNHLGGNQVS[Lys691Asn]EMKRMGFEDP

ClinVar aggregate classification (germline): Likely pathogenic (1 of 4 stars; one submission).

Submission:

GeneDx
Classification: Likely pathogenic. Last evaluated: 2015-03-31. Review status: criteria provided, single submitter. Criteria: GeneDx Variant Classification (06012015). Collection method: clinical testing. Allele origin: germline. Affected: yes.
Comment: The K691N variant in the ADCY5 gene has not been published as a pathoge variantnic, nor has it been reported as a benign polymorphism to our knowledge. The K691N variant was not observed in approximately 6,500 individuals of European and African American ancestry in the NHLBI Exome Sequencing Project, indicating it is not a common benign variant in these populations. The K691N variant is a semi-conservative amino acid substitution which may impact secondary protein structure, as these residues differ in some properties. This substitution occurs at a position that is conserved across species. In silico analysis is inconsistent in its predictions as to whether or not the variant is damaging to the protein structure/function. Therefore, the K691N variant is a good candidate for a disease-causing variant, however the possibility that it may be a rare benign variant cannot be excluded